The following is an entry in ClinVar:

NM_022436.3(ABCG5):c.27C>T (p.Pro9=)

Gene: ABCG5 (ATP binding cassette subfamily G member 5; minus strand). Cytogenetic location: 2p21.
Variant type: single nucleotide variant.
Coding change: c.27C>T on transcript NM_022436.3 (MANE Select); coding-DNA position 27, C replaced by T.
Protein change: p.Pro9=; no amino-acid change (proline 9 retained).
Molecular consequence: synonymous variant.
Genome position (GRCh38, 1-based): chr2:43,838,653, G>A on the plus strand (C>T on the coding strand, the complement: ABCG5 is on the minus strand). VCF-style: chr2-43838653-G-A. GRCh37 (hg19) VCF-style: chr2-44065792-G-A.
Other names: p.Pro9=.
Identifiers: ClinVar variation 336057 (VCV000336057.25), dbSNP rs72542428, ClinGen allele CA1636820.

ClinVar aggregate classification (germline): Benign/Likely benign. Review status: criteria provided, multiple submitters, no conflicts (2 of 4 stars). 9 submissions from 9 submitters: Benign (2); Likely benign (5). 2 of the submissions do not count toward it. Last evaluated 2026-03-01.

Conditions:
Sitosterolemia (STSL). Also called: PHYTOSTEROLEMIA. Identifiers: Orphanet 2882, MedGen C0342907, MONDO:0008863.
Sitosterolemia 1. Identifiers: MedGen C2749759, MONDO:0020747, OMIM 210250.
Cardiovascular phenotype. Identifiers: MedGen CN230736.

Allele frequency attached by ClinVar (database versions not stated): gnomAD 0.00033 and 0.00039; gnomAD exomes 0.00038 and 0.00100; TOPMed 0.00065; ExAC 0.00113; 1000 Genomes Project 30x 0.00187; 1000 Genomes Project 0.00220.
gnomAD v4.1: 627 of 1,613,608 alleles (0.039%); highest among the groups gnomAD compares: East Asian, 0.82%; 5 homozygotes.

Submissions (9):

CeGaT Center for Human Genetics Tuebingen
Classification: Likely benign. Last evaluated: 2026-03-01. Review status: criteria provided, single submitter. Criteria: CeGaT Center For Human Genetics Tuebingen Variant Classification Criteria Version 2. Collection method: clinical testing. Allele origin: germline. Affected: yes. Observed: 1 variant allele.
Comment: ABCG5: BP4, BP7

Labcorp Genetics (formerly Invitae), Labcorp
Classification: Benign for Sitosterolemia. Last evaluated: 2026-01-26. Review status: criteria provided, single submitter. Criteria: Invitae Variant Classification Sherloc (09022015). Collection method: clinical testing. Allele origin: germline.

Mayo Clinic Laboratories, Mayo Clinic
Classification: Benign. Last evaluated: 2024-12-09. Review status: criteria provided, single submitter. Criteria: ACMG Guidelines, 2015. Collection method: clinical testing. Allele origin: germline. Observed: 3 variant alleles.
Comment: BS1, BS2_supporting, BP4, BP7

Blueprint Genetics
Classification: Likely benign. Last evaluated: 2024-11-12. Review status: criteria provided, single submitter. Criteria: ACMG Guidelines, 2015. Collection method: clinical testing. Allele origin: germline.

Women's Health and Genetics/Laboratory Corporation of America, LabCorp
Classification: Likely benign. Last evaluated: 2023-07-18. Review status: criteria provided, single submitter. Criteria: LabCorp Variant Classification Summary - May 2015. Collection method: clinical testing. Allele origin: germline.

Ambry Genetics
Classification: Likely benign for Cardiovascular phenotype. Last evaluated: 2022-03-24. Review status: criteria provided, single submitter. Criteria: Ambry Variant Classification Scheme 2023. Collection method: clinical testing. Allele origin: germline.

Illumina Laboratory Services, Illumina
Classification: Likely benign for Sitosterolemia 1. Last evaluated: 2018-01-12. Review status: criteria provided, single submitter. Criteria: ICSL Variant Classification Criteria 13 December 2019. Collection method: clinical testing. Allele origin: germline.
Comment: This variant was observed in the ICSL laboratory as part of a predisposition screen in an ostensibly healthy population. It had not been previously curated by ICSL or reported in the Human Gene Mutation Database (HGMD: prior to June 1st, 2018), and was therefore a candidate for classification through an automated scoring system. Utilizing variant allele frequency, disease prevalence and penetrance estimates, and inheritance mode, an automated score was calculated to assess if this variant is too frequent to cause the disease. Based on the score and internal cut-off values, a variant classified as likely benign is not then subjected to further curation. The score for this variant resulted in a classification of likely benign for this disease.

Clinical Genetics, Academic Medical Center
Classification: Benign. Review status: no assertion criteria provided. Collection method: clinical testing. Allele origin: germline. Affected: yes. Study: VKGL Data-share Consensus. Not counted in ClinVar's aggregate classification.

Genome Diagnostics Laboratory, University Medical Center Utrecht
Classification: Likely benign. Review status: no assertion criteria provided. Collection method: clinical testing. Allele origin: germline. Affected: yes. Study: VKGL Data-share Consensus. Not counted in ClinVar's aggregate classification.